The following is an entry in ClinVar:

ClinVar aggregate classification (germline): Uncertain significance (1 of 4 stars; one submission).

Conditions:
Leber congenital amaurosis 2 (LCA2). Also called: Autosomal Recessive RPE65-Related Retinal Degeneration; AMAUROSIS CONGENITA OF LEBER II. Identifiers: Orphanet 65, MedGen C1859844, MONDO:0008765, OMIM 204100. Disease mechanism: loss of function.
Retinitis pigmentosa 20 (RP20). Identifiers: Orphanet 791, MedGen C3151086, MONDO:0013425, OMIM 613794.

Allele frequency attached by ClinVar (database versions not stated): gnomAD 0.00001; gnomAD exomes 0.00001; ExAC 0.00003; 1000 Genomes Project 30x 0.00031; 1000 Genomes Project 0.00040.
gnomAD v4.1: 13 of 1,610,644 alleles (0.00081%); highest among the groups gnomAD compares: South Asian, 0.0066%; no homozygotes.

Submission:

Labcorp Genetics (formerly Invitae), Labcorp
Classification: Uncertain significance for Leber congenital amaurosis 2; Retinitis pigmentosa 20. Last evaluated: 2025-12-15. Review status: criteria provided, single submitter. Criteria: Invitae Variant Classification Sherloc (09022015). Collection method: clinical testing. Allele origin: germline.
Comment: This sequence change falls in intron 13 of the RPE65 gene. It does not directly change the encoded amino acid sequence of the RPE65 protein. It affects a nucleotide within the consensus splice site. This variant is present in population databases (rs568388625, gnomAD 0.01%). This variant has not been reported in the literature in individuals affected with RPE65-related conditions. ClinVar contains an entry for this variant (Variation ID: 2198177). Variants that disrupt the consensus splice site are a relatively common cause of aberrant splicing (PMID: 17576681, 9536098). Algorithms developed to predict the effect of sequence changes on RNA splicing suggest that this variant may disrupt the consensus splice site. In summary, the available evidence is currently insufficient to determine the role of this variant in disease. Therefore, it has been classified as a Variant of Uncertain Significance.

Literature cited by the submitters: PubMed 17576681; PubMed 9536098.

NM_000329.3(RPE65):c.1450+3A>G

Gene: RPE65 (retinoid isomerohydrolase RPE65; minus strand). Cytogenetic location: 1p31.3.
Variant type: single nucleotide variant.
Coding change: c.1450+3A>G on transcript NM_000329.3 (MANE Select); 3 bases into the intron after coding-DNA position 1450, A replaced by G.
Molecular consequence: intron variant.
Genome position (GRCh38, 1-based): chr1:68,431,062, T>C on the plus strand (A>G on the coding strand, the complement: RPE65 is on the minus strand). VCF-style: chr1-68431062-T-C. GRCh37 (hg19) VCF-style: chr1-68896745-T-C.
Identifiers: ClinVar variation 2198177 (VCV002198177.2), dbSNP rs568388625, ClinGen allele CA902166.